The following is an entry in ClinVar:

ClinVar aggregate classification (germline): Likely benign. Review status: criteria provided, multiple submitters, no conflicts (2 of 4 stars). 2 submissions from 2 submitters: Likely benign (2). Last evaluated 2025-09-07.

Conditions:
Primary ciliary dyskinesia. Also called: Ciliary dyskinesia. Identifiers: Orphanet 244, MedGen C0008780, MONDO:0016575, HP:0012265.

Allele frequency attached by ClinVar (database versions not stated): gnomAD exomes 0.00002 and 0.00004; ExAC 0.00003; TOPMed 0.00003; gnomAD 0.00005 and 0.00006.
gnomAD v4.1: 42 of 1,613,728 alleles (0.0026%); highest among the groups gnomAD compares: Non-Finnish European, 0.0018%; no homozygotes.

Submissions (2):

Labcorp Genetics (formerly Invitae), Labcorp
Classification: Likely benign for Primary ciliary dyskinesia. Last evaluated: 2025-09-07. Review status: criteria provided, single submitter. Criteria: Invitae Variant Classification Sherloc (09022015). Collection method: clinical testing. Allele origin: germline.

CeGaT Center for Human Genetics Tuebingen
Classification: Likely benign. Last evaluated: 2025-05-01. Review status: criteria provided, single submitter. Criteria: CeGaT Center For Human Genetics Tuebingen Variant Classification Criteria Version 2. Collection method: clinical testing. Allele origin: germline. Affected: yes. Observed: 1 variant allele.
Comment: DNAH8: BP4, BP7

NM_001206927.2(DNAH8):c.6156C>G (p.Ala2052=)

Gene: DNAH8 (dynein axonemal heavy chain 8; plus strand). Cytogenetic location: 6p21.2.
Variant type: single nucleotide variant.
Coding change: c.6156C>G on transcript NM_001206927.2 (MANE Select); coding-DNA position 6156, C replaced by G.
Protein change: p.Ala2052=; no amino-acid change (alanine 2052 retained).
Molecular consequence: synonymous variant.
Genome position (GRCh38, 1-based): chr6:38,862,304, C>G. VCF-style: chr6-38862304-C-G. GRCh37 (hg19) VCF-style: chr6-38830080-C-G.
Other names: c.5505C>G, p.Ala1835= (NM_001371.4).
Identifiers: ClinVar variation 525575 (VCV000525575.21), dbSNP rs775922041, ClinGen allele CA3789597.